The following is an entry in ClinVar:

ClinVar aggregate classification (germline): Uncertain significance (1 of 4 stars; one submission).

Conditions:
Hereditary cancer-predisposing syndrome. Also called: Neoplastic Syndromes, Hereditary; Tumor predisposition; Hereditary Cancer Syndrome; Hereditary neoplastic syndrome. Identifiers: Orphanet 140162, MedGen C0027672, MeSH D009386, MONDO:0015356.

Submission:

Ambry Genetics
Classification: Uncertain significance for Hereditary cancer-predisposing syndrome. Last evaluated: 2025-11-30. Review status: criteria provided, single submitter. Criteria: Ambry Variant Classification Scheme 2023. Collection method: clinical testing. Allele origin: germline.
Comment: The p.D801V variant (also known as c.2402A>T), located in coding exon 5 of the PALB2 gene, results from an A to T substitution at nucleotide position 2402. The aspartic acid at codon 801 is replaced by valine, an amino acid with highly dissimilar properties. This amino acid position is conserved. In addition, this alteration is predicted to be tolerated by in silico analysis. Based on the available evidence, the clinical significance of this variant remains unclear.

NM_024675.4(PALB2):c.2402A>T (p.Asp801Val)

Gene: PALB2 (partner and localizer of BRCA2; minus strand). Cytogenetic location: 16p12.2.
Variant type: single nucleotide variant.
Coding change: c.2402A>T on transcript NM_024675.4 (MANE Select); coding-DNA position 2402, A replaced by T.
Protein change: p.Asp801Val; replaces aspartic acid 801 with valine.
Molecular consequence: missense variant. On other transcripts: intron variant (1).
Genome position (GRCh38, 1-based): chr16:23,629,752, T>A on the plus strand (A>T on the coding strand, the complement: PALB2 is on the minus strand). VCF-style: chr16-23629752-T-A. GRCh37 (hg19) VCF-style: chr16-23641073-T-A.
Other names: c.2342A>T, p.Asp781Val (NM_001407296.1); c.2402A>T, p.Asp801Val (NM_001407297.1, NM_001407298.1, NM_001407299.1 and 3 more transcripts); c.1517A>T, p.Asp506Val (NM_001407304.1, NM_001407305.1, NM_001407306.1 and 5 more transcripts); c.614A>T, p.Asp205Val (NM_001407312.1, NM_001407313.1); c.49-477A>T (NM_001407314.1); short protein forms D781V, D801V, D205V, D506V.
Identifiers: ClinVar variation 4664215 (VCV004664215.1).
Genomic context (GRCh38, chr16:23,629,752, plus strand): 5'-TTTTCTTTAAAAGTGAATGACTCAATGGGTGGAGGTGTTCCTGGCGGGACAGAGTCACAG[T>A]CACAGGTAGGTTGTCCTTGCCTGCCTGACACTTGCAGGGTGGTATGTGGTTTTGCTGGGC-3'
Protein context (NP_078951.2, residues 791-811): VSGRQGQPTC[Asp801Val]CDSVPPGTPP